The following is an entry in ClinVar:

NM_000293.3(PHKB):c.2555A>T (p.Glu852Val)

Gene: PHKB (phosphorylase kinase regulatory subunit beta; plus strand). Cytogenetic location: 16q12.1.
Variant type: single nucleotide variant.
Coding change: c.2555A>T on transcript NM_000293.3 (MANE Select); coding-DNA position 2555, A replaced by T.
Protein change: p.Glu852Val; replaces glutamic acid 852 with valine.
Molecular consequence: missense variant.
Genome position (GRCh38, 1-based): chr16:47,669,342, A>T. VCF-style: chr16-47669342-A-T. GRCh37 (hg19) VCF-style: chr16-47703253-A-T.
Other names: c.2534A>T, p.Glu845Val (NM_001031835.3); c.2555A>T, p.Glu852Val (NM_001363837.1); short protein forms E845V, E852V.
Identifiers: ClinVar variation 2869874 (VCV002869874.3), dbSNP rs757998722, ClinGen allele CA8041272.

ClinVar aggregate classification (germline): Uncertain significance (1 of 4 stars; one submission).

Conditions:
Glycogen storage disease IXb (GSD9B). Also called: PHOSPHORYLASE KINASE DEFICIENCY OF LIVER AND MUSCLE, AUTOSOMAL RECESSIVE; GLYCOGENOSIS OF LIVER AND MUSCLE, AUTOSOMAL RECESSIVE; GSD IXb. Identifiers: Orphanet 79240, MedGen C0543514, MONDO:0009868, OMIM 261750.

Allele frequency attached by ClinVar (database versions not stated): ExAC 0.00001.

Submission:

Labcorp Genetics (formerly Invitae), Labcorp
Classification: Uncertain significance for Glycogen storage disease IXb. Last evaluated: 2023-07-13. Review status: criteria provided, single submitter. Criteria: Invitae Variant Classification Sherloc (09022015). Collection method: clinical testing. Allele origin: germline.
Comment: In summary, the available evidence is currently insufficient to determine the role of this variant in disease. Therefore, it has been classified as a Variant of Uncertain Significance. An algorithm developed to predict the effect of missense changes on protein structure and function (PolyPhen-2) suggests that this variant is likely to be disruptive. This variant has not been reported in the literature in individuals affected with PHKB-related conditions. This variant is present in population databases (rs757998722, gnomAD 0.0009%). This sequence change replaces glutamic acid, which is acidic and polar, with valine, which is neutral and non-polar, at codon 852 of the PHKB protein (p.Glu852Val).